The following is an entry in ClinVar:

ClinVar aggregate classification (germline): Uncertain significance. Review status: criteria provided, multiple submitters, no conflicts (2 of 4 stars). 3 submissions from 3 submitters: Uncertain significance (3). Last evaluated 2026-04-21.

Conditions:
Hereditary cancer-predisposing syndrome. Also called: Tumor predisposition; Hereditary Cancer Syndrome; Neoplastic Syndromes, Hereditary; Hereditary neoplastic syndrome. Identifiers: Orphanet 140162, MedGen C0027672, MeSH D009386, MONDO:0015356.

Allele frequency attached by ClinVar (database versions not stated): gnomAD exomes below 0.00001; TOPMed below 0.00001.
gnomAD v4.1: 1 of 1,614,146 alleles (0.000062%); highest among the groups gnomAD compares: Non-Finnish European, 0.000085%; no homozygotes.

Submissions (3):

Ambry Genetics
Classification: Uncertain significance for Hereditary cancer-predisposing syndrome. Last evaluated: 2026-04-21. Review status: criteria provided, single submitter. Criteria: Ambry Variant Classification Scheme 2023. Collection method: clinical testing. Allele origin: germline.
Comment: The p.A384V variant (also known as c.1151C>T), located in coding exon 8 of the FH gene, results from a C to T substitution at nucleotide position 1151. The alanine at codon 384 is replaced by valine, an amino acid with similar properties. This amino acid position is highly conserved in available vertebrate species. In addition, this alteration is predicted to be deleterious by in silico analysis. Based on the available evidence, the clinical significance of this variant remains unclear.

Labcorp Genetics (formerly Invitae), Labcorp
Classification: Uncertain significance. Last evaluated: 2026-01-24. Review status: criteria provided, single submitter. Criteria: Invitae Variant Classification Sherloc (09022015). Collection method: clinical testing. Allele origin: germline.
Comment: This sequence change replaces alanine, which is neutral and non-polar, with valine, which is neutral and non-polar, at codon 384 of the FH protein (p.Ala384Val). This variant is not present in population databases (gnomAD no frequency). This variant has not been reported in the literature in individuals affected with FH-related conditions. ClinVar contains an entry for this variant (Variation ID: 645299). Invitae Evidence Modeling of protein sequence and biophysical properties (such as structural, functional, and spatial information, amino acid conservation, physicochemical variation, residue mobility, and thermodynamic stability) has been performed for this missense variant. However, the output from this modeling did not meet the statistical confidence thresholds required to predict the impact of this variant on FH protein function. In summary, the available evidence is currently insufficient to determine the role of this variant in disease. Therefore, it has been classified as a Variant of Uncertain Significance.

GeneDx
Classification: Uncertain significance. Last evaluated: 2022-04-29. Review status: criteria provided, single submitter. Criteria: GeneDx Variant Classification Process June 2021. Collection method: clinical testing. Allele origin: germline. Affected: yes.
Comment: Not observed at significant frequency in large population cohorts (gnomAD); In silico analysis supports that this missense variant has a deleterious effect on protein structure/function; Has not been previously published as pathogenic or benign to our knowledge

NM_000143.4(FH):c.1151C>T (p.Ala384Val)

Gene: FH (fumarate hydratase; minus strand). Cytogenetic location: 1q43.
Variant type: single nucleotide variant.
Coding change: c.1151C>T on transcript NM_000143.4 (MANE Select); coding-DNA position 1151, C replaced by T.
Protein change: p.Ala384Val; replaces alanine 384 with valine.
Molecular consequence: missense variant.
Genome position (GRCh38, 1-based): chr1:241,502,528, G>A on the plus strand (C>T on the coding strand, the complement: FH is on the minus strand). VCF-style: chr1-241502528-G-A. GRCh37 (hg19) VCF-style: chr1-241665828-G-A.
Other names: short protein forms A384V.
Identifiers: ClinVar variation 645299 (VCV000645299.13), dbSNP rs904463039, ClinGen allele CA40327751.